The following is an entry in ClinVar:

NM_201253.3(CRB1):c.4168C>T (p.Arg1390Ter)

Gene: CRB1 (crumbs cell polarity complex component 1; plus strand). Cytogenetic location: 1q31.3.
Variant type: single nucleotide variant.
Coding change: c.4168C>T on transcript NM_201253.3 (MANE Select); coding-DNA position 4168, C replaced by T.
Protein change: p.Arg1390Ter; replaces arginine 1390 with a stop codon.
Molecular consequence: nonsense. On other transcripts: non-coding transcript variant (2).
Genome position (GRCh38, 1-based): chr1:197,477,826, C>T. VCF-style: chr1-197477826-C-T. GRCh37 (hg19) VCF-style: chr1-197446956-C-T.
Other names: c.3832C>T, p.Arg1278Ter (NM_001193640.2); c.4096C>T, p.Arg1366Ter (NM_001257965.2); c.2560C>T, p.Arg854Ter (NM_001257966.2); short protein forms R1278*, R1390*, R1366*, R854*.
Identifiers: ClinVar variation 659686 (VCV000659686.14), dbSNP rs763324776, ClinGen allele CA1312569.

ClinVar aggregate classification (germline): Pathogenic/Likely pathogenic. Review status: criteria provided, multiple submitters, no conflicts (2 of 4 stars). 7 submissions from 7 submitters: Pathogenic (3); Likely pathogenic (4). Last evaluated 2026-03-31.

Conditions:
Retinitis pigmentosa 12 (RP12). Also called: RP WITH OR WITHOUT PPRPE; RP WITH OR WITHOUT PRESERVED PARAARTERIOLE RETINAL PIGMENT EPITHELIUM; RETINITIS PIGMENTOSA WITH OR WITHOUT PARAARTERIOLAR PRESERVATION OF RETINAL PIGMENT EPITHELIUM. Identifiers: Orphanet 791, MedGen C1838647, MONDO:0010818, OMIM 600105.
Leber congenital amaurosis 8 (LCA8). Identifiers: Orphanet 65, MedGen C3151202, MONDO:0013453, OMIM 613835.
Pigmented paravenous retinochoroidal atrophy. Identifiers: Orphanet 251295, MedGen C1868310, MONDO:0008246, OMIM 172870.
CRB1-related disorder. Also called: CRB1-related disorders; CRB1-related condition.
Leber congenital amaurosis (LCA). Also called: Leber's amaurosis. Identifiers: Orphanet 65, MedGen C0339527, MeSH D057130, MONDO:0018998.

Allele frequency attached by ClinVar (database versions not stated): ExAC 0.00002; gnomAD exomes below 0.00001 and 0.00001; TOPMed 0.00002; gnomAD 0.00003.
gnomAD v4.1: 9 of 1,613,708 alleles (0.00056%); highest among the groups gnomAD compares: Admixed American, 0.005%; no homozygotes.

Submissions (7):

GeneDx
Classification: Likely pathogenic. Last evaluated: 2026-03-31. Review status: criteria provided, single submitter. Criteria: GeneDx Variant Classification Process June 2021. Collection method: clinical testing. Allele origin: germline.
Comment: Nonsense variant predicted to result in protein truncation, as the last 17 amino acids are lost, and other loss-of-function variants have been reported downstream in HGMD; This variant is associated with the following publications: (PMID: 31964843, 35982159, 28819299, 24715753, 29068479, 32865313, 33057194, 37217489, 23379534)

Labcorp Genetics (formerly Invitae), Labcorp
Classification: Pathogenic for Leber congenital amaurosis 8; Retinitis pigmentosa 12. Last evaluated: 2025-10-01. Review status: criteria provided, single submitter. Criteria: Invitae Variant Classification Sherloc (09022015). Collection method: clinical testing. Allele origin: germline.
Comment: This sequence change creates a premature translational stop signal (p.Arg1390*) in the CRB1 gene. While this is not anticipated to result in nonsense mediated decay, it is expected to disrupt the last 17 amino acid(s) of the CRB1 protein. This variant is present in population databases (rs763324776, gnomAD 0.007%). This premature translational stop signal has been observed in individuals with CRB1-related eye disorders, including Leber congenital amaurosis and retinitis pigmentosa (PMID: 2906847, 23379534). ClinVar contains an entry for this variant (Variation ID: 659686). Experimental studies and prediction algorithms are not available or were not evaluated, and the functional significance of this variant is currently unknown. This variant disrupts the p.Glu1403 amino acid residue in CRB1. Other variant(s) that disrupt this residue have been determined to be pathogenic (PMID: 24715753). This suggests that this residue is clinically significant, and that variants that disrupt this residue are likely to be disease-causing. For these reasons, this variant has been classified as Pathogenic.

Natera, Inc.
Classification: Likely pathogenic for Leber congenital amaurosis. Last evaluated: 2025-08-06. Review status: criteria provided, single submitter. Criteria: Natera Variant Classification Schema (03/2026). Collection method: clinical testing. Allele origin: germline.
Comment: The c.4168C>T variant in CRB1 is a nonsense variant predicted to introduce a stop codon at amino acid 1390. This variant is expected to result in nonsense mediated decay, truncation, or a dysfunctional protein product. This variant is rare in the general population with a frequency below the threshold expected for the associated phenotype(s). This variant has been observed in one or more individuals affected with the associated recessive disease, as either homozygous or compound heterozygous with a second variant (PMID: 23379534, 28819299). Given the available evidence, this variant is classified as Likely Pathogenic.

Fulgent Genetics
Classification: Pathogenic for Pigmented paravenous retinochoroidal atrophy; Retinitis pigmentosa 12; Leber congenital amaurosis 8. Last evaluated: 2024-01-23. Review status: criteria provided, single submitter. Criteria: ACMG Guidelines, 2015. Collection method: clinical testing. Allele origin: germline.

Baylor Genetics
Classification: Likely pathogenic for Leber congenital amaurosis 8. Last evaluated: 2023-10-04. Review status: criteria provided, single submitter. Criteria: ACMG Guidelines, 2015. Collection method: clinical testing. Allele origin: unknown.

Blueprint Genetics
Classification: Pathogenic for CRB1-related disorders. Last evaluated: 2020-03-13. Review status: criteria provided, single submitter. Criteria: ACMG Guidelines, 2015. Collection method: clinical testing. Allele origin: germline. Affected: yes. Observed: 2 variant alleles.

Neuberg Centre For Genomic Medicine, NCGM
Classification: Likely pathogenic for Retinitis pigmentosa 12. Review status: criteria provided, single submitter. Criteria: ACMG Guidelines, 2015. Collection method: clinical testing. Allele origin: germline. Inheritance: Autosomal recessive inheritance. Affected: yes.

Literature cited by the submitters: PubMed 2906847 (cited by Labcorp Genetics (formerly Invitae), Labcorp); PubMed 23379534 (cited by Labcorp Genetics (formerly Invitae), Labcorp and Natera, Inc.); PubMed 24715753 (cited by Labcorp Genetics (formerly Invitae), Labcorp); PubMed 28819299 (cited by Natera, Inc.).